The following is an entry in ClinVar:

NM_000081.4(LYST):c.8395A>G (p.Ile2799Val)

Gene: LYST (lysosomal trafficking regulator; minus strand). Cytogenetic location: 1q42.3.
Variant type: single nucleotide variant.
Coding change: c.8395A>G on transcript NM_000081.4 (MANE Select); coding-DNA position 8395, A replaced by G.
Protein change: p.Ile2799Val; replaces isoleucine 2799 with valine.
Molecular consequence: missense variant.
Genome position (GRCh38, 1-based): chr1:235,734,623, T>C on the plus strand (A>G on the coding strand, the complement: LYST is on the minus strand). VCF-style: chr1-235734623-T-C. GRCh37 (hg19) VCF-style: chr1-235897923-T-C.
Other names: c.8395A>G, p.Ile2799Val (NM_001301365.1); short protein forms I2799V.
Identifiers: ClinVar variation 296372 (VCV000296372.6), dbSNP rs776018257, ClinGen allele CA1465864.
Genomic context (GRCh38, chr1:235,734,623, plus strand): 5'-TCATAAGCAGTTCTGCTGTGCCTAGCTCTTCTTCAGTCAATTCACCTTGGTGATTATGTA[T>C]CAACTCTGACAAATACAAAACTAACTTGGCTCCATGCTTTAAAAAAAGTAATAATTTTTT-3'
Protein context (NP_000072.2, residues 2789-2809): AKLVLYLSEL[Ile2799Val]HNHQGELTEE

ClinVar aggregate classification (germline): Uncertain significance. Review status: criteria provided, multiple submitters, no conflicts (2 of 4 stars). 2 submissions from 2 submitters: Uncertain significance (2). Last evaluated 2022-06-18.

Conditions:
Chédiak-Higashi syndrome (CHS). Also called: Chediak-Higashi Syndrome. Identifiers: Orphanet 167, MedGen C0007965, MONDO:0008963, OMIM 214500.

Allele frequency attached by ClinVar (database versions not stated): TOPMed below 0.00001; gnomAD exomes 0.00001; ExAC 0.00002.
gnomAD v4.1: 9 of 1,612,270 alleles (0.00056%); highest among the groups gnomAD compares: Non-Finnish European, 0.00059%; no homozygotes.

Submissions (2):

Labcorp Genetics (formerly Invitae), Labcorp
Classification: Uncertain significance for Chédiak-Higashi syndrome. Last evaluated: 2022-06-18. Review status: criteria provided, single submitter. Criteria: Invitae Variant Classification Sherloc (09022015). Collection method: clinical testing. Allele origin: germline.
Comment: This sequence change replaces isoleucine, which is neutral and non-polar, with valine, which is neutral and non-polar, at codon 2799 of the LYST protein (p.Ile2799Val). This variant is present in population databases (rs776018257, gnomAD 0.004%). This variant has not been reported in the literature in individuals affected with LYST-related conditions. ClinVar contains an entry for this variant (Variation ID: 296372). Algorithms developed to predict the effect of missense changes on protein structure and function (SIFT, PolyPhen-2, Align-GVGD) all suggest that this variant is likely to be tolerated. In summary, the available evidence is currently insufficient to determine the role of this variant in disease. Therefore, it has been classified as a Variant of Uncertain Significance.

Illumina Laboratory Services, Illumina
Classification: Uncertain significance for Chédiak-Higashi syndrome. Last evaluated: 2018-01-13. Review status: criteria provided, single submitter. Criteria: ICSL Variant Classification Criteria 13 December 2019. Collection method: clinical testing. Allele origin: germline.